The following is an entry in ClinVar:

ClinVar aggregate classification (germline): Benign. Review status: criteria provided, multiple submitters, no conflicts (2 of 4 stars). 6 submissions from 6 submitters: Benign (5). 1 of the submissions does not count toward it. Last evaluated 2026-02-04.

Conditions:
MAGED2-related disorder. Also called: MAGED2-related condition.

Allele frequency attached by ClinVar (database versions not stated): 1000 Genomes Project 30x 0.05619; 1000 Genomes Project 0.05775; TOPMed 0.08937; gnomAD 0.09937 and 0.10136; ESP Exome Variant Server 0.09973; gnomAD exomes 0.10450 and 0.13127; ExAC 0.10852.
gnomAD v4.1: 149,567 of 1,173,358 alleles (13%); highest among the groups gnomAD compares: Non-Finnish European, 15%; 7,447 homozygotes.

Submissions (6):

Labcorp Genetics (formerly Invitae), Labcorp
Classification: Benign. Last evaluated: 2026-02-04. Review status: criteria provided, single submitter. Criteria: Invitae Variant Classification Sherloc (09022015). Collection method: clinical testing. Allele origin: germline.

Blueprint Genetics
Classification: Benign. Last evaluated: 2024-11-28. Review status: criteria provided, single submitter. Criteria: ACMG Guidelines, 2015. Collection method: clinical testing. Allele origin: germline.

Mayo Clinic Laboratories, Mayo Clinic
Classification: Benign. Last evaluated: 2022-03-09. Review status: criteria provided, single submitter. Criteria: ACMG Guidelines, 2015. Collection method: clinical testing. Allele origin: germline. Observed: 40 variant alleles.

GeneDx
Classification: Benign. Last evaluated: 2019-11-22. Review status: criteria provided, single submitter. Criteria: GeneDx Variant Classification Process June 2021. Collection method: clinical testing. Allele origin: germline. Affected: yes.

Breakthrough Genomics
Classification: Benign. Review status: criteria provided, single submitter. Criteria: ACMG Guidelines, 2015. Collection method: not provided. Allele origin: germline. Inheritance: X-linked inheritance. Affected: yes.

PreventionGenetics, part of Exact Sciences
Classification: Benign for MAGED2-related condition. Last evaluated: 2019-12-11. Review status: no assertion criteria provided. Collection method: clinical testing. Allele origin: germline. Not counted in ClinVar's aggregate classification.
Comment: This variant is classified as benign based on ACMG/AMP sequence variant interpretation guidelines (Richards et al. 2015 PMID: 25741868, with internal and published modifications).

NM_177433.3(MAGED2):c.1443G>A (p.Ala481=)

Gene: MAGED2 (MAGE family member D2; plus strand). Cytogenetic location: Xp11.21.
Variant type: single nucleotide variant.
Coding change: c.1443G>A on transcript NM_177433.3 (MANE Select); coding-DNA position 1443, G replaced by A.
Protein change: p.Ala481=; no amino-acid change (alanine 481 retained).
Molecular consequence: synonymous variant.
Genome position (GRCh38, 1-based): chrX:54,815,304, G>A. VCF-style: chrX-54815304-G-A. GRCh37 (hg19) VCF-style: chrX-54841737-G-A.
Other names: p.Ala481=; c.1443G>A, p.Ala481= (NM_014599.6, NM_201222.3); c.1443G>A (NM_177433.2).
Identifiers: ClinVar variation 1278552 (VCV001278552.14), dbSNP rs11555927, ClinGen allele CA10426893.